The following is an entry in ClinVar:

ClinVar aggregate classification (germline): Benign. Review status: criteria provided, multiple submitters, no conflicts (2 of 4 stars). 11 submissions from 9 submitters: Benign (9). 2 of the submissions do not count toward it. Last evaluated 2026-02-04.

Conditions:
Hypophosphatasia. Also called: Phosphoethanol-aminuria. Identifiers: Orphanet 436, MedGen C0020630, MeSH D007014, MONDO:0018570.
Adult hypophosphatasia. Identifiers: Orphanet 247676, Orphanet 436, MedGen C0268413, MONDO:1010154, OMIM 146300, MONDO:0007798.
Childhood hypophosphatasia. Identifiers: Orphanet 247667, Orphanet 436, MedGen C0220743, MONDO:1010168, OMIM 241510, MONDO:0009428.
Infantile hypophosphatasia. Identifiers: Orphanet 247651, Orphanet 436, MedGen C0268412, MONDO:1010169, OMIM 241500, MONDO:0009427.

Allele frequency attached by ClinVar (database versions not stated): ESP Exome Variant Server 0.15870; ExAC 0.17812; gnomAD 0.17895 and 0.18373; TOPMed 0.19051; 1000 Genomes Project 30x 0.26655; 1000 Genomes Project 0.26757.
gnomAD v4.1: 232,690 of 1,611,926 alleles (14%); highest among the groups gnomAD compares: East Asian, 50%; 21,827 homozygotes.

Submissions (11):

Labcorp Genetics (formerly Invitae), Labcorp
Classification: Benign. Last evaluated: 2026-02-04. Review status: criteria provided, single submitter. Criteria: Invitae Variant Classification Sherloc (09022015). Collection method: clinical testing. Allele origin: germline.

Genomenon, Inc
Classification: Benign for Hypophosphatasia. Last evaluated: 2025-08-29. Review status: criteria provided, single submitter. Criteria: Genomenon Sequence Variant Interpretation Standards. Collection method: curation. Allele origin: germline. Affected: no.
Comment: ALPL c.862+20G>T is an intronic variant located in intron 8. This variant is present at high allele frequency in population databases. In conclusion, we classify ALPL c.862+20G>T as a benign variant.

Blueprint Genetics
Classification: Benign. Last evaluated: 2024-11-26. Review status: criteria provided, single submitter. Criteria: ACMG Guidelines, 2015. Collection method: clinical testing. Allele origin: germline.

Genome-Nilou Lab
Classification: Benign for Infantile hypophosphatasia. Last evaluated: 2021-07-01. Review status: criteria provided, single submitter. Criteria: ACMG Guidelines, 2015. Collection method: clinical testing. Allele origin: germline. Affected: no.

Genome-Nilou Lab
Classification: Benign for Childhood hypophosphatasia. Last evaluated: 2021-07-01. Review status: criteria provided, single submitter. Criteria: ACMG Guidelines, 2015. Collection method: clinical testing. Allele origin: germline. Affected: no.

Genome-Nilou Lab
Classification: Benign for Adult hypophosphatasia. Last evaluated: 2021-07-01. Review status: criteria provided, single submitter. Criteria: ACMG Guidelines, 2015. Collection method: clinical testing. Allele origin: germline. Affected: no.

Eurofins Ntd Llc (ga)
Classification: Benign. Last evaluated: 2016-10-17. Review status: criteria provided, single submitter. Criteria: EGL Classification Definitions 2015. Collection method: clinical testing. Allele origin: germline. Observed: 2 variant alleles, 2 heterozygotes.

Breakthrough Genomics
Classification: Benign. Review status: criteria provided, single submitter. Criteria: ACMG Guidelines, 2015. Collection method: not provided. Allele origin: germline. Inheritance: Autosomal recessive inheritance. Affected: yes.

PreventionGenetics, part of Exact Sciences
Classification: Benign. Review status: criteria provided, single submitter. Criteria: ACMG Guidelines, 2015. Collection method: clinical testing. Allele origin: germline.

Clinical Genetics DNA and cytogenetics Diagnostics Lab, Erasmus MC, Erasmus Medical Center
Classification: Benign. Review status: no assertion criteria provided. Collection method: clinical testing. Allele origin: germline. Affected: yes. Study: VKGL Data-share Consensus. Not counted in ClinVar's aggregate classification.

Genome Diagnostics Laboratory, Amsterdam University Medical Center
Classification: Benign. Review status: no assertion criteria provided. Collection method: clinical testing. Allele origin: germline. Affected: yes. Study: VKGL Data-share Consensus. Not counted in ClinVar's aggregate classification.

NM_000478.6(ALPL):c.862+20G>T

Gene: ALPL (alkaline phosphatase, biomineralization associated; plus strand). Cytogenetic location: 1p36.12.
Variant type: single nucleotide variant.
Coding change: c.862+20G>T on transcript NM_000478.6 (MANE Select); 20 bases into the intron after coding-DNA position 862, G replaced by T.
Molecular consequence: intron variant.
Genome position (GRCh38, 1-based): chr1:21,570,394, G>T. VCF-style: chr1-21570394-G-T. GRCh37 (hg19) VCF-style: chr1-21896887-G-T.
Other names: c.862+20G>T (NM_001369805.2, NM_001369804.2, NM_001369803.2); c.697+20G>T (NM_001127501.4); c.631+20G>T (NM_001177520.3).
Identifiers: ClinVar variation 256233 (VCV000256233.21), dbSNP rs2275377, ClinGen allele CA666639.